The following is an entry in ClinVar:

ClinVar aggregate classification (germline): Benign (1 of 4 stars; one submission).

Conditions:
Familial cancer of breast. Also called: hereditary breast carcinoma; Hereditary breast cancer; BREAST CANCER, FAMILIAL. Identifiers: Orphanet 227535, MedGen C0346153, MONDO:0016419, OMIM 114480. Disease mechanism: loss of function.

Submission:

Myriad Genetics, Inc.
Classification: Benign for Familial cancer of breast. Last evaluated: 2024-08-22. Review status: criteria provided, single submitter. Criteria: Myriad Autosomal Dominant, Autosomal Recessive and X-Linked Classification Criteria (2023). Collection method: clinical testing. Allele origin: unknown.
Comment: This variant is considered benign. This variant is a silent/synonymous amino acid change and it is not expected to impact splicing.

NM_032043.3(BRIP1):c.876C>T (p.Phe292=)

Gene: BRIP1 (BRCA1 interacting DNA helicase 1; minus strand). Cytogenetic location: 17q23.2.
Variant type: single nucleotide variant.
Coding change: c.876C>T on transcript NM_032043.3 (MANE Select); coding-DNA position 876, C replaced by T.
Protein change: p.Phe292=; no amino-acid change (phenylalanine 292 retained).
Molecular consequence: synonymous variant.
Genome position (GRCh38, 1-based): chr17:61,808,509, G>A on the plus strand (C>T on the coding strand, the complement: BRIP1 is on the minus strand). VCF-style: chr17-61808509-G-A. GRCh37 (hg19) VCF-style: chr17-59885870-G-A.
Identifiers: ClinVar variation 3378788 (VCV003378788.1).